The following is an entry in ClinVar:

ClinVar aggregate classification (germline): Uncertain significance (1 of 4 stars; one submission).

Conditions:
Early Myoclonic Encephalopathy. Identifiers: MedGen C0270855.

Submission:

Labcorp Genetics (formerly Invitae), Labcorp
Classification: Uncertain significance for Early Myoclonic Encephalopathy. Last evaluated: 2025-03-05. Review status: criteria provided, single submitter. Criteria: Invitae Variant Classification Sherloc (09022015). Collection method: clinical testing. Allele origin: germline.
Comment: This sequence change replaces serine, which is neutral and polar, with phenylalanine, which is neutral and non-polar, at codon 113 of the KCND2 protein (p.Ser113Phe). This variant is not present in population databases (gnomAD no frequency). This variant has not been reported in the literature in individuals affected with KCND2-related conditions. Invitae Evidence Modeling of protein sequence and biophysical properties (such as structural, functional, and spatial information, amino acid conservation, physicochemical variation, residue mobility, and thermodynamic stability) has been performed for this missense variant. However, the output from this modeling did not meet the statistical confidence thresholds required to predict the impact of this variant on KCND2 protein function. In summary, the available evidence is currently insufficient to determine the role of this variant in disease. Therefore, it has been classified as a Variant of Uncertain Significance.

NM_012281.3(KCND2):c.338C>T (p.Ser113Phe)

Gene: KCND2 (potassium voltage-gated channel subfamily D member 2; plus strand). Cytogenetic location: 7q31.31.
Variant type: single nucleotide variant.
Coding change: c.338C>T on transcript NM_012281.3 (MANE Select); coding-DNA position 338, C replaced by T.
Protein change: p.Ser113Phe; replaces serine 113 with phenylalanine.
Molecular consequence: missense variant.
Genome position (GRCh38, 1-based): chr7:120,274,970, C>T. VCF-style: chr7-120274970-C-T. GRCh37 (hg19) VCF-style: chr7-119915024-C-T.
Other names: short protein forms S113F.
Identifiers: ClinVar variation 4709929 (VCV004709929.1).